The following is an entry in ClinVar:

NM_005159.5(ACTC1):c.633C>T (p.Val211=)

Genes: GJD2-DT (GJD2 divergent transcript; plus strand), ACTC1 (actin alpha cardiac muscle 1; minus strand). Cytogenetic location: 15q14.
Variant type: single nucleotide variant.
Coding change: c.633C>T on transcript NM_005159.5 (MANE Select); coding-DNA position 633, C replaced by T.
Protein change: p.Val211=; no amino-acid change (valine 211 retained).
Molecular consequence: synonymous variant.
Genome position (GRCh38, 1-based): chr15:34,792,265, G>A on the plus strand (C>T on the coding strand, the complement: ACTC1 is on the minus strand). VCF-style: chr15-34792265-G-A. GRCh37 (hg19) VCF-style: chr15-35084466-G-A.
Identifiers: ClinVar variation 919844 (VCV000919844.12), dbSNP rs199947846, ClinGen allele CA042423.
Genomic context (GRCh38, chr15:34,792,265, plus strand): 5'-TGTGGCCATCTCATTCTCAAAATCCAGGGCGACATAGCACAGCTTCTCTTTAATGTCACG[G>A]ACAATTTCACGTTCAGCTACAGAAATAAAGAGTATCACAGTCATGCTCTGAAGCAAGAAG-3'
Protein context (NP_005150.1, residues 201-221): SFVTTAEREI[Val211=]RDIKEKLCYV

ClinVar aggregate classification (germline): Likely benign. Review status: criteria provided, multiple submitters, no conflicts (2 of 4 stars). 4 submissions from 4 submitters: Likely benign (4). Last evaluated 2025-04-29.

Conditions:
Cardiovascular phenotype. Identifiers: MedGen CN230736.
Cardiomyopathy (CMYO). Also called: Cardiomyopathies. Identifiers: Orphanet 167848, MedGen C0878544, MONDO:0004994, HP:0001638. Inheritance: Various modes of inheritance.
Atrial septal defect 5 (ASD5). Identifiers: Orphanet 1478, MedGen C2748552, MONDO:0013011, OMIM 612794.
Dilated cardiomyopathy 1R (CMD1R). Identifiers: Orphanet 154, Orphanet 54260, MedGen C3150681, MONDO:0013261, OMIM 613424.
Hypertrophic cardiomyopathy 11. Also called: ACTC1-Related Familial Hypertrophic Cardiomyopathy. Identifiers: MedGen C2677506, MONDO:0012799, OMIM 612098.
Hypertrophic cardiomyopathy. Also called: HYPERTROPHIC MYOCARDIOPATHY. Identifiers: Orphanet 217569, MedGen C0007194, MeSH D002312, MONDO:0005045, HP:0001639.

Allele frequency attached by ClinVar (database versions not stated): gnomAD exomes below 0.00001; ExAC 0.00001; gnomAD 0.00001; TOPMed 0.00001.
gnomAD v4.1: 29 of 1,614,064 alleles (0.0018%); highest among the groups gnomAD compares: Non-Finnish European, 0.0021%; no homozygotes.

Submissions (4):

Labcorp Genetics (formerly Invitae), Labcorp
Classification: Likely benign for Dilated cardiomyopathy 1R; Hypertrophic cardiomyopathy 11; Atrial septal defect 5. Last evaluated: 2025-04-29. Review status: criteria provided, single submitter. Criteria: Invitae Variant Classification Sherloc (09022015). Collection method: clinical testing. Allele origin: germline.

All of Us Research Program, National Institutes of Health
Classification: Likely benign for Hypertrophic cardiomyopathy. Last evaluated: 2023-12-13. Review status: criteria provided, single submitter. Criteria: ACMG Guidelines, 2015. Collection method: clinical testing. Allele origin: germline. Inheritance: Autosomal dominant inheritance. Observed: 2 variant alleles, 2 heterozygotes.
Comment: This study involves interpretation of variants in research participants for the purpose of population health screening. Participant phenotype was not available at the time of variant classification. Additional details can be found in publication PMID: 35346344, PMCID: PMC8962531

Ambry Genetics
Classification: Likely benign for Cardiovascular phenotype. Last evaluated: 2021-04-29. Review status: criteria provided, single submitter. Criteria: Ambry Variant Classification Scheme 2023. Collection method: clinical testing. Allele origin: germline.

Color Diagnostics, LLC DBA Color Health
Classification: Likely benign for Cardiomyopathy. Last evaluated: 2019-06-18. Review status: criteria provided, single submitter. Criteria: ACMG Guidelines, 2015. Collection method: clinical testing. Allele origin: germline.